The following is an entry in ClinVar:

NM_021147.5(CCNO):c.655_661del (p.Ile219fs)

Gene: CCNO (cyclin O; minus strand). Cytogenetic location: 5q11.2.
Variant type: Deletion.
Coding change: c.655_661del on transcript NM_021147.5 (MANE Select); coding-DNA positions 655 to 661, 7 bases deleted (ATCGTGC; older notation c.655_661delATCGTGC).
Protein change: p.Ile219fs; shifts the reading frame from isoleucine 219.
Molecular consequence: frameshift variant. On other transcripts: non-coding transcript variant (3).
Genome position (GRCh38, 1-based): chr5:55,231,767-55,231,773, GCACGAT deleted on the plus strand (ATCGTGC on the coding strand, the reverse complement: CCNO is on the minus strand); deleting any 7 consecutive bases within chr5:55,231,767-55,231,777 gives the same sequence; the c. name uses the placement nearest the transcript's 3' end. VCF-style (leftmost placement, unchanged base first): chr5-55231766-AGCACGAT-A. GRCh37 (hg19) VCF-style: chr5-54527594-AGCACGAT-A.
Other names: short protein forms I219fs.
Identifiers: ClinVar variation 4879831 (VCV004879831.1).
Genomic context (GRCh38, chr5:55,231,766, plus strand): 5'-GTGAAATGCTCCAGGAAGAAGCTAATGGTGGGCGCACCCAGGGTGAAGTGCAGCTTGTGC[AGCACGAT>A]GCACTCGAGGTTGCAGAGCTGCTGCCGGGAGAAGGCGCCGCAGCAGAGGGCCAGAAGCTG-3'

ClinVar aggregate classification (germline): Likely pathogenic (1 of 4 stars; one submission).

Conditions:
Primary ciliary dyskinesia 29. Also called: CILIARY DYSKINESIA, PRIMARY, 29, WITHOUT SITUS INVERSUS. Identifiers: Orphanet 244, MedGen C4014534, MONDO:0014378, OMIM 615872.

Submission:

The Research Institute of Tuberculosis, Japan Anti-Tuberculosis Association
Classification: Likely pathogenic for Primary ciliary dyskinesia 29. Last evaluated: 2026-07-22. Review status: criteria provided, single submitter. Criteria: ACMG Guidelines, 2015. Collection method: research. Allele origin: germline. Inheritance: Autosomal recessive inheritance. Affected: yes.
Comment: Classification determined through our internal review, with support from Franklin (Genoox) summaries integrated into the overall assessment. ACMG/AMP guidelines were applied for SNV/indel interpretation. Final classification: Likely pathogenic. This variant is a null variant (FRAMESHIFT) in a gene where loss of function is an established mechanism of disease, supporting PVS1. This variant is absent or present at extremely low frequency (%) in population databases (gnomAD: exome 0; genome 0), supporting PM2. Evidence (ACMG/AMP codes): PVS1, PM2, PM3.